The following is an entry in ClinVar:

NM_014915.3(ANKRD26):c.185T>A (p.Val62Glu)

Gene: ANKRD26 (ankyrin repeat domain 26; minus strand). Cytogenetic location: 10p12.1.
Variant type: single nucleotide variant.
Coding change: c.185T>A on transcript NM_014915.3 (MANE Select); coding-DNA position 185, T replaced by A.
Protein change: p.Val62Glu; replaces valine 62 with glutamic acid.
Molecular consequence: missense variant.
Genome position (GRCh38, 1-based): chr10:27,100,142, A>T on the plus strand (T>A on the coding strand, the complement: ANKRD26 is on the minus strand). VCF-style: chr10-27100142-A-T. GRCh37 (hg19) VCF-style: chr10-27389071-A-T.
Other names: c.185T>A, p.Val62Glu (NM_001256053.2); short protein forms V62E.
Identifiers: ClinVar variation 3397095 (VCV003397095.2).
Genomic context (GRCh38, chr10:27,100,142, plus strand): 5'-TACCTGTTCATCTTGTCTCTATCGTTCAAGCCATTCTTCCTGAGCAAAAGGATCTGCTGC[A>T]CTTTCGCCACATTACCCGCGCTGGCAGCTTTGTGGATCTTGCCGAGATCTCGGTCTCGGA-3'
Protein context (NP_055730.2, residues 52-72): KAASAGNVAK[Val62Glu]QQILLLRKNG

ClinVar aggregate classification (germline): Uncertain significance. Review status: criteria provided, multiple submitters, no conflicts (2 of 4 stars). 2 submissions from 2 submitters: Uncertain significance (2). Last evaluated 2024-12-03.

Conditions:
Inborn genetic diseases. Identifiers: MedGen C0950123, MeSH D030342.

gnomAD v4.1: 8 of 1,614,056 alleles (0.0005%); highest among the groups gnomAD compares: East Asian, 0.018%; no homozygotes.

Submissions (2):

Ambry Genetics
Classification: Uncertain significance for Inborn genetic diseases. Last evaluated: 2024-12-03. Review status: criteria provided, single submitter. Criteria: Ambry Variant Classification Scheme 2023. Collection method: clinical testing. Allele origin: germline.
Comment: The p.V62E variant (also known as c.185T>A), located in coding exon 1 of the ANKRD26 gene, results from a T to A substitution at nucleotide position 185. The valine at codon 62 is replaced by glutamic acid, an amino acid with dissimilar properties. This amino acid position is conserved. In addition, this alteration is predicted to be deleterious by in silico analysis. Based on the available evidence, the clinical significance of this variant remains unclear.

Blueprint Genetics
Classification: Uncertain significance. Last evaluated: 2019-09-11. Review status: criteria provided, single submitter. Criteria: ACMG Guidelines, 2015. Collection method: clinical testing. Allele origin: germline.